The following is an entry in ClinVar:

ClinVar aggregate classification (germline): Uncertain significance. Review status: criteria provided, multiple submitters, no conflicts (2 of 4 stars). 2 submissions from 2 submitters: Uncertain significance (2). Last evaluated 2024-02-25.

Conditions:
Cardiovascular phenotype. Identifiers: MedGen CN230736.
Cardiofaciocutaneous syndrome 1 (CFC1). Also called: BRAF-Related Cardiofaciocutaneous Syndrome; MAP2K1-Related Cardiofaciocutaneous Syndrome; KRAS-Related Cardiofaciocutaneous Syndrome; MAP2K2-Related Cardiofaciocutaneous Syndrome. Identifiers: Orphanet 1340, MedGen CN029449, MONDO:0007265, OMIM 115150. Disease mechanism: gain of function.
LEOPARD syndrome 3 (LPRD3). Identifiers: Orphanet 500, MedGen C3150971, MONDO:0013380, OMIM 613707.
Noonan syndrome 7 (NS7). Also called: BRAF-Related Noonan Syndrome. Identifiers: Orphanet 648, MedGen C3150970, MONDO:0013379, OMIM 613706.
Lung cancer. Also called: Malignant tumor of lung; Lung cancer, somatic. Identifiers: MedGen C0242379, MONDO:0008903, OMIM 211980.
Melanoma, cutaneous malignant, susceptibility to, 1 (CMM1). Also called: B-K MOLE SYNDROME; MELANOMA, MALIGNANT; DYSPLASTIC NEVUS SYNDROME, HEREDITARY; FAMILIAL ATYPICAL MOLE-MALIGNANT MELANOMA SYNDROME. Identifiers: Orphanet 618, MedGen C1835047, MONDO:0007963, OMIM 155600.
Colorectal cancer. Also called: Colorectal cancer, somatic; Malignant Colorectal Neoplasm. Identifiers: MedGen C0346629, MONDO:0005575, OMIM 114500.

Allele frequency attached by ClinVar (database versions not stated): TOPMed below 0.00001; gnomAD 0.00001.
gnomAD v4.1: 2 of 1,611,946 alleles (0.00012%); highest among the groups gnomAD compares: Non-Finnish European, 0.000085%; no homozygotes.

Submissions (2):

Fulgent Genetics
Classification: Uncertain significance for Colorectal cancer; Cardiofaciocutaneous syndrome 1; Melanoma, cutaneous malignant, susceptibility to, 1; Lung cancer; Noonan syndrome 7; LEOPARD syndrome 3. Last evaluated: 2024-02-25. Review status: criteria provided, single submitter. Criteria: ACMG Guidelines, 2015. Collection method: clinical testing. Allele origin: germline.

Ambry Genetics
Classification: Uncertain significance for Cardiovascular phenotype. Last evaluated: 2023-03-10. Review status: criteria provided, single submitter. Criteria: Ambry Variant Classification Scheme 2023. Collection method: clinical testing. Allele origin: germline.
Comment: The c.2127+4A>G intronic alteration consists of a A to G substitution nucleotides after coding exon 17 in the BRAF gene. Based on insufficient or conflicting evidence, the clinical significance of this alteration remains unclear.

NM_004333.6(BRAF):c.2127+4A>G

Gene: BRAF (B-Raf proto-oncogene, serine/threonine kinase; minus strand). Cytogenetic location: 7q34.
Variant type: single nucleotide variant.
Coding change: c.2127+4A>G on transcript NM_004333.6 (MANE Select); 4 bases into the intron after coding-DNA position 2127, A replaced by G.
Molecular consequence: intron variant.
Genome position (GRCh38, 1-based): chr7:140,739,808, T>C on the plus strand (A>G on the coding strand, the complement: BRAF is on the minus strand). VCF-style: chr7-140739808-T-C. GRCh37 (hg19) VCF-style: chr7-140439608-T-C.
Other names: c.2127+4A>G (NM_001378474.1, NM_001378468.1, NM_001354609.2); c.2025+4A>G (NM_001378470.1); c.1863+4A>G (NM_001378475.1); c.2061+4A>G (NM_001378469.1); c.2247+4A>G (NM_001374244.1, NM_001374258.1); c.1971+4A>G (NM_001378473.1, NM_001378472.1); c.2016+4A>G (NM_001378471.1); c.2136+4A>G (NM_001378467.1).
Identifiers: ClinVar variation 2488442 (VCV002488442.3), dbSNP rs772330392, ClinGen allele CA578267948.